The following is an entry in ClinVar:

ClinVar aggregate classification (germline): Likely benign (1 of 4 stars; one submission).

Allele frequency attached by ClinVar (database versions not stated): gnomAD exomes below 0.00001; TOPMed 0.00002; gnomAD 0.00005.
gnomAD v4.1: 9 of 1,613,854 alleles (0.00056%); highest among the groups gnomAD compares: Admixed American, 0.01%; no homozygotes.

Submission:

CeGaT Center for Human Genetics Tuebingen
Classification: Likely benign. Last evaluated: 2023-09-01. Review status: criteria provided, single submitter. Criteria: CeGaT Center For Human Genetics Tuebingen Variant Classification Criteria Version 2. Collection method: clinical testing. Allele origin: germline. Affected: yes. Observed: 1 variant allele.
Comment: TOGARAM1: BP4, BP7

NM_001308120.2(TOGARAM1):c.1797T>C (p.Gly599=)

Gene: TOGARAM1 (TOG array regulator of axonemal microtubules 1; plus strand). Cytogenetic location: 14q21.2.
Variant type: single nucleotide variant.
Coding change: c.1797T>C on transcript NM_001308120.2 (MANE Select); coding-DNA position 1797, T replaced by C.
Protein change: p.Gly599=; no amino-acid change (glycine 599 retained).
Molecular consequence: synonymous variant. On other transcripts: non-coding transcript variant (1).
Genome position (GRCh38, 1-based): chr14:44,964,218, T>C. VCF-style: chr14-44964218-T-C. GRCh37 (hg19) VCF-style: chr14-45433421-T-C.
Other names: c.1797T>C, p.Gly599= (NM_015091.4).
Identifiers: ClinVar variation 2644200 (VCV002644200.24), dbSNP rs1024534568, ClinGen allele CA259598819.
Genomic context (GRCh38, chr14:44,964,218, plus strand): 5'-AAGGCTCACAGAGCAGGGATTTGTGGAATATGCAGTACTGATGCCATCTTCTGCCGGGGG[T>C]AGGTCAAACCATTTGGCACATGGAGCAGATACGGACTGGCTTTTGGCTGGTAACAGAACT-3'
Protein context (NP_001295049.1, residues 589-609): YAVLMPSSAG[Gly599=]RSNHLAHGAD